The following is an entry in ClinVar:

ClinVar aggregate classification (germline): Conflicting classifications of pathogenicity. Review status: criteria provided, conflicting classifications (1 of 4 stars). 6 submissions from 6 submitters: Uncertain significance (3); Likely benign (1). 2 of the submissions do not count toward it. Last evaluated 2026-02-01.

Conditions:
Inborn genetic diseases. Identifiers: MedGen C0950123, MeSH D030342.
Heterotaxy, visceral, 5, autosomal (HTX5). Also called: Heterotaxy, visceral, 5. Identifiers: Orphanet 450, MedGen C3495537, MONDO:0700112, OMIM 270100.

Allele frequency attached by ClinVar (database versions not stated): TOPMed 0.00005; gnomAD 0.00009; gnomAD exomes 0.00012 and 0.00014; ExAC 0.00013.
gnomAD v4.1: 181 of 1,613,976 alleles (0.011%); highest among the groups gnomAD compares: Non-Finnish European, 0.013%; no homozygotes.

Submissions (6):

CeGaT Center for Human Genetics Tuebingen
Classification: Uncertain significance. Last evaluated: 2026-02-01. Review status: criteria provided, single submitter. Criteria: CeGaT Center For Human Genetics Tuebingen Variant Classification Criteria Version 2. Collection method: clinical testing. Allele origin: germline. Affected: yes. Observed: 1 variant allele.

Ambry Genetics
Classification: Uncertain significance for Inborn genetic diseases. Last evaluated: 2025-04-07. Review status: criteria provided, single submitter. Criteria: Ambry Variant Classification Scheme 2023. Collection method: clinical testing. Allele origin: germline.

Laboratory of Genetics, Children's Clinical University Hospital Latvia
Classification: Likely benign. Last evaluated: 2025-02-16. Review status: criteria provided, single submitter. Criteria: ACMG Guidelines, 2015. Collection method: clinical testing. Allele origin: germline. Affected: yes.

Labcorp Genetics (formerly Invitae), Labcorp
Classification: Uncertain significance for Heterotaxy, visceral, 5, autosomal. Last evaluated: 2024-03-08. Review status: criteria provided, single submitter. Criteria: Invitae Variant Classification Sherloc (09022015). Collection method: clinical testing. Allele origin: germline.
Comment: This sequence change replaces leucine, which is neutral and non-polar, with phenylalanine, which is neutral and non-polar, at codon 196 of the NODAL protein (p.Leu196Phe). This variant is present in population databases (rs200445211, gnomAD 0.03%). This variant has not been reported in the literature in individuals affected with NODAL-related conditions. ClinVar contains an entry for this variant (Variation ID: 1285182). Advanced modeling of protein sequence and biophysical properties (such as structural, functional, and spatial information, amino acid conservation, physicochemical variation, residue mobility, and thermodynamic stability) performed at Invitae indicates that this missense variant is not expected to disrupt NODAL protein function with a negative predictive value of 80%. In summary, the available evidence is currently insufficient to determine the role of this variant in disease. Therefore, it has been classified as a Variant of Uncertain Significance.

Genome Diagnostics Laboratory, University Medical Center Utrecht
Classification: Likely benign. Review status: no assertion criteria provided. Collection method: clinical testing. Allele origin: germline. Affected: yes. Study: VKGL Data-share Consensus. Not counted in ClinVar's aggregate classification.

Joint Genome Diagnostic Labs from Nijmegen and Maastricht, Radboudumc and MUMC+
Classification: Likely benign. Review status: no assertion criteria provided. Collection method: clinical testing. Allele origin: germline. Affected: yes. Study: VKGL Data-share Consensus. Not counted in ClinVar's aggregate classification.

NM_018055.5(NODAL):c.586C>T (p.Leu196Phe)

Gene: NODAL (nodal growth differentiation factor; minus strand). Cytogenetic location: 10q22.1.
Variant type: single nucleotide variant.
Coding change: c.586C>T on transcript NM_018055.5 (MANE Select); coding-DNA position 586, C replaced by T.
Protein change: p.Leu196Phe; replaces leucine 196 with phenylalanine.
Molecular consequence: missense variant.
Genome position (GRCh38, 1-based): chr10:70,435,591, G>A on the plus strand (C>T on the coding strand, the complement: NODAL is on the minus strand). VCF-style: chr10-70435591-G-A. GRCh37 (hg19) VCF-style: chr10-72195347-G-A.
Other names: c.187C>T, p.Leu63Phe (NM_001329906.2); c.586C>T (NM_018055.4); short protein forms L196F, L63F.
Identifiers: ClinVar variation 1285182 (VCV001285182.14), dbSNP rs200445211, ClinGen allele CA5537569.